The following is an entry in ClinVar:

NM_001350451.2(RBFOX3):c.956G>C (p.Arg319Thr)

Gene: RBFOX3 (RNA binding fox-1 homolog 3; minus strand). Cytogenetic location: 17q25.3.
Variant type: single nucleotide variant.
Coding change: c.956G>C on transcript NM_001350451.2 (MANE Select); coding-DNA position 956, G replaced by C.
Protein change: p.Arg319Thr; replaces arginine 319 with threonine.
Molecular consequence: missense variant.
Genome position (GRCh38, 1-based): chr17:79,095,555, C>G on the plus strand (G>C on the coding strand, the complement: RBFOX3 is on the minus strand). VCF-style: chr17-79095555-C-G. GRCh37 (hg19) VCF-style: chr17-77091637-C-G.
Other names: c.815G>C, p.Arg272Thr (NM_001082575.3, NM_001350453.2, NM_001385825.1 and 16 more transcripts); c.956G>C, p.Arg319Thr (NM_001385804.1, NM_001385805.1, NM_001385807.1 and 14 more transcripts); c.953G>C, p.Arg318Thr (NM_001385806.1, NM_001385822.1, NM_001385823.1); c.863G>C, p.Arg288Thr (NM_001385824.1); c.836G>C, p.Arg279Thr (NM_001385827.1); c.812G>C, p.Arg271Thr (NM_001385843.1, NM_001385844.1, NM_001385845.1 and 1 more transcripts); c.668G>C, p.Arg223Thr (NM_001385847.1); short protein forms R271T, R288T, R318T, R272T, R319T, R279T, R223T.
Identifiers: ClinVar variation 1384331 (VCV001384331.8), dbSNP rs2146254285, ClinGen allele CA401315889.

ClinVar aggregate classification (germline): Uncertain significance (1 of 4 stars; one submission).

Conditions:
Idiopathic generalized epilepsy. Also called: Generalised epilepsy; EIG. Identifiers: MedGen C0270850, MONDO:0005579, OMIM 600669.

Submission:

Labcorp Genetics (formerly Invitae), Labcorp
Classification: Uncertain significance for Idiopathic generalized epilepsy. Last evaluated: 2022-06-20. Review status: criteria provided, single submitter. Criteria: Invitae Variant Classification Sherloc (09022015). Collection method: clinical testing. Allele origin: germline.
Comment: This sequence change replaces arginine, which is basic and polar, with threonine, which is neutral and polar, at codon 272 of the RBFOX3 protein (p.Arg272Thr). Algorithms developed to predict the effect of missense changes on protein structure and function are either unavailable or do not agree on the potential impact of this missense change (SIFT: "Tolerated"; PolyPhen-2: "Probably Damaging"; Align-GVGD: "Class C0"). This variant has not been reported in the literature in individuals affected with RBFOX3-related conditions. This variant is not present in population databases (gnomAD no frequency). In summary, the available evidence is currently insufficient to determine the role of this variant in disease. Therefore, it has been classified as a Variant of Uncertain Significance.